The following is an entry in ClinVar:

ClinVar aggregate classification (germline): Conflicting classifications of pathogenicity. Review status: criteria provided, conflicting classifications (1 of 4 stars). 4 submissions from 4 submitters: Uncertain significance (1); Benign (1); Likely benign (1). 1 of the submissions does not count toward it. Last evaluated 2025-08-18.

Conditions:
EP300-related disorder. Also called: EP300-related disorders; EP300-related condition.
Rubinstein-Taybi syndrome due to EP300 haploinsufficiency. Also called: EP300-Related Rubinstein-Taybi Syndrome; RUBINSTEIN-TAYBI SYNDROME 2. Identifiers: Orphanet 353284, Orphanet 783, MedGen C3150941, MONDO:0013364, OMIM 613684.

Allele frequency attached by ClinVar (database versions not stated): gnomAD exomes 0.00002 and 0.00007; ExAC 0.00010; ESP Exome Variant Server 0.00023; TOPMed 0.00028; 1000 Genomes Project 30x 0.00031; gnomAD 0.00038 and 0.00041; 1000 Genomes Project 0.00040.
gnomAD v4.1: 91 of 1,614,118 alleles (0.0056%); highest among the groups gnomAD compares: African/African-American, 0.1%; no homozygotes.

Submissions (4):

Labcorp Genetics (formerly Invitae), Labcorp
Classification: Likely benign for Rubinstein-Taybi syndrome due to EP300 haploinsufficiency. Last evaluated: 2025-08-18. Review status: criteria provided, single submitter. Criteria: Invitae Variant Classification Sherloc (09022015). Collection method: clinical testing. Allele origin: germline.

GeneDx
Classification: Benign. Last evaluated: 2021-03-11. Review status: criteria provided, single submitter. Criteria: GeneDx Variant Classification Process June 2021. Collection method: clinical testing. Allele origin: germline. Affected: yes.

Eurofins Ntd Llc (ga)
Classification: Uncertain significance. Last evaluated: 2015-07-20. Review status: criteria provided, single submitter. Criteria: EGL Classification Definitions 2015. Collection method: clinical testing. Allele origin: germline. Observed: 1 variant allele, 1 heterozygote.

PreventionGenetics, part of Exact Sciences
Classification: Likely benign for EP300-related condition. Last evaluated: 2021-10-04. Review status: no assertion criteria provided. Collection method: clinical testing. Allele origin: germline. Not counted in ClinVar's aggregate classification.
Comment: This variant is classified as likely benign based on ACMG/AMP sequence variant interpretation guidelines (Richards et al. 2015 PMID: 25741868, with internal and published modifications).

NM_001429.4(EP300):c.739A>G (p.Met247Val)

Gene: EP300 (EP300 lysine acetyltransferase; plus strand). Cytogenetic location: 22q13.2.
Variant type: single nucleotide variant.
Coding change: c.739A>G on transcript NM_001429.4 (MANE Select); coding-DNA position 739, A replaced by G.
Protein change: p.Met247Val; replaces methionine 247 with valine.
Molecular consequence: missense variant.
Genome position (GRCh38, 1-based): chr22:41,125,873, A>G. VCF-style: chr22-41125873-A-G. GRCh37 (hg19) VCF-style: chr22-41521877-A-G.
Other names: c.739A>G, p.Met247Val (NM_001362843.2); short protein forms M247V.
Identifiers: ClinVar variation 281866 (VCV000281866.17), dbSNP rs147583157, ClinGen allele CA10252345.